The following is an entry in ClinVar:

ClinVar aggregate classification (germline): Uncertain significance (1 of 4 stars; one submission).

Conditions:
Hypercholesterolemia, autosomal dominant, 3 (FHCL3). Also called: Familial Hypercholesterolemia, Autosomal Dominant, 3; PCSK9-Related Familial Hypercholesterolemia, Autosomal Dominant; Familial hypercholesterolemia 3. Identifiers: MedGen C1863551, MONDO:0011369, OMIM 603776.

gnomAD v4.1: 2 of 1,613,198 alleles (0.00012%); highest among the groups gnomAD compares: Non-Finnish European, 0.00017%; no homozygotes.

Submission:

All of Us Research Program, National Institutes of Health
Classification: Uncertain significance for Hypercholesterolemia, autosomal dominant, 3. Last evaluated: 2023-05-16. Review status: criteria provided, single submitter. Criteria: ACMG Guidelines, 2015. Collection method: clinical testing. Allele origin: germline. Inheritance: Autosomal dominant inheritance. Observed: 1 variant allele, 1 heterozygote.
Comment: This missense variant replaces serine with arginine at codon 249 of the PCSK9 protein. Computational prediction tools and conservation analyses are inconclusive regarding the impact of this variant on the protein function. Computational splicing tools suggest that this variant may not impact RNA splicing. To our knowledge, functional assays have not been performed for this variant nor has this variant been reported in individuals affected with familial hypercholesterolemia in the literature. This variant has not been identified in the general population by the Genome Aggregation Database (gnomAD). Available evidence is insufficient to determine the role of this variant in disease conclusively. Therefore, this variant is classified as a Variant of Uncertain Significance.

This study involves interpretation of variants in research participants for the purpose of population health screening. Participant phenotype was not available at the time of variant classification. Additional details can be found in publication PMID: 35346344, PMCID: PMC8962531

NM_174936.4(PCSK9):c.747C>G (p.Ser249Arg)

Gene: PCSK9 (proprotein convertase subtilisin/kexin type 9; plus strand). Cytogenetic location: 1p32.3.
Variant type: single nucleotide variant.
Coding change: c.747C>G on transcript NM_174936.4 (MANE Select); coding-DNA position 747, C replaced by G.
Protein change: p.Ser249Arg; replaces serine 249 with arginine.
Molecular consequence: missense variant. On other transcripts: non-coding transcript variant (8).
Genome position (GRCh38, 1-based): chr1:55,052,739, C>G. VCF-style: chr1-55052739-C-G. GRCh37 (hg19) VCF-style: chr1-55518412-C-G.
Other names: c.870C>G, p.Ser290Arg (NM_001407240.1); c.747C>G, p.Ser249Arg (NM_001407241.1, NM_001407244.1, NM_001407247.1); c.750C>G, p.Ser250Arg (NM_001407242.1); c.690C>G, p.Ser230Arg (NM_001407243.1); c.555C>G, p.Ser185Arg (NM_001407245.1); c.372C>G, p.Ser124Arg (NM_001407246.1); short protein forms S124R, S185R, S230R, S249R, S250R, S290R.
Identifiers: ClinVar variation 3075546 (VCV003075546.1), dbSNP rs768846693, ClinGen allele CA340474076.
Genomic context (GRCh38, chr1:55,052,739, plus strand): 5'-CCTGGCAGGGGTGGTCAGCGGCCGGGATGCCGGCGTGGCCAAGGGTGCCAGCATGCGCAG[C>G]CTGCGCGTGCTCAACTGCCAAGGGAAGGGCACGGTTAGCGGCACCCTCATAGGTAAGTGA-3'
Protein context (NP_777596.2, residues 239-259): AGVAKGASMR[Ser249Arg]LRVLNCQGKG